The following is an entry in ClinVar:

NM_001041.4(SI):c.4799T>C (p.Ile1600Thr)

Gene: SI (sucrase-isomaltase; minus strand). Cytogenetic location: 3q26.1.
Variant type: single nucleotide variant.
Coding change: c.4799T>C on transcript NM_001041.4 (MANE Select); coding-DNA position 4799, T replaced by C.
Protein change: p.Ile1600Thr; replaces isoleucine 1600 with threonine.
Molecular consequence: missense variant.
Genome position (GRCh38, 1-based): chr3:164,994,299, A>G on the plus strand (T>C on the coding strand, the complement: SI is on the minus strand). VCF-style: chr3-164994299-A-G. GRCh37 (hg19) VCF-style: chr3-164712087-A-G.
Other names: short protein forms I1600T.
Identifiers: ClinVar variation 1424073 (VCV001424073.8), dbSNP rs1259902988, ClinGen allele CA355028912.
Genomic context (GRCh38, chr3:164,994,299, plus strand): 5'-AACAAACTTTGTACTTACTCATGCAAAAGGGGTCGGATAACAGTGCCACCATTAGCATGA[A>G]TTTCATGCATTTGTGTGTAAAAATAGGGCAATAAGGTGTATCTAATATTTAGAATATTCC-3'
Protein context (NP_001032.2, residues 1590-1610): LPYFYTQMHE[Ile1600Thr]HANGGTVIRP

ClinVar aggregate classification (germline): Uncertain significance (1 of 4 stars; one submission).

Allele frequency attached by ClinVar (database versions not stated): gnomAD exomes below 0.00001; TOPMed below 0.00001; gnomAD 0.00001.
gnomAD v4.1: 2 of 1,611,170 alleles (0.00012%); highest among the groups gnomAD compares: Non-Finnish European, 0.00017%; no homozygotes.

Submission:

Labcorp Genetics (formerly Invitae), Labcorp
Classification: Uncertain significance. Last evaluated: 2021-05-18. Review status: criteria provided, single submitter. Criteria: Invitae Variant Classification Sherloc (09022015). Collection method: clinical testing. Allele origin: germline.
Comment: Advanced modeling of protein sequence and biophysical properties (such as structural, functional, and spatial information, amino acid conservation, physicochemical variation, residue mobility, and thermodynamic stability) performed at Invitae indicates that this missense variant is not expected to disrupt SI protein function. In summary, the available evidence is currently insufficient to determine the role of this variant in disease. Therefore, it has been classified as a Variant of Uncertain Significance. This variant has not been reported in the literature in individuals with SI-related conditions. This variant is not present in population databases (ExAC no frequency). This sequence change replaces isoleucine with threonine at codon 1600 of the SI protein (p.Ile1600Thr). The isoleucine residue is moderately conserved and there is a moderate physicochemical difference between isoleucine and threonine.